The following is an entry in ClinVar:

NM_001371333.1(DIABLO):c.677_700del (p.Glu226_Glu233del)

Genes: B3GNT4 (UDP-GlcNAc:betaGal beta-1,3-N-acetylglucosaminyltransferase 4; plus strand), DIABLO (diablo IAP-binding mitochondrial protein; minus strand). Cytogenetic location: 12q24.31.
Variant type: Deletion.
Coding change: c.677_700del on transcript NM_001371333.1 (MANE Select); coding-DNA positions 677 to 700, 24 bases deleted (AGCGGGCTGAGTCGGAGCAGGAGG).
Protein change: p.Glu226_Glu233del.
Molecular consequence: inframe deletion. On other transcripts: 3 prime UTR variant (2).
Genome position (GRCh38, 1-based): chr12:122,208,401-122,208,424, CCTCCTGCTCCGACTCAGCCCGCT deleted on the plus strand (AGCGGGCTGAGTCGGAGCAGGAGG on the coding strand, the reverse complement: DIABLO is on the minus strand); deleting any 24 consecutive bases within chr12:122,208,401-122,208,429 gives the same sequence; the c. name uses the placement nearest the transcript's 3' end. VCF-style (leftmost placement, unchanged base first): chr12-122208400-GCCTCCTGCTCCGACTCAGCCCGCT-G. GRCh37 (hg19) VCF-style: chr12-122692947-GCCTCCTGCTCCGACTCAGCCCGCT-G.
Other names: c.386_409del, p.Glu129_Glu136del (NM_001278302.1); c.458_481del, p.Glu153_Glu160del (NM_001278303.1); c.518_541del, p.Glu173_Glu180del (NM_001278304.2, NM_138930.3); c.545_568del, p.Glu182_Glu189del (NM_001278342.1); c.677_700del, p.Glu226_Glu233del (NM_019887.6); c.*1018_*1041del (NM_001330492.2, NM_030765.4).
Identifiers: ClinVar variation 1633306 (VCV001633306.10), dbSNP rs752361472, ClinGen allele CA6843756.

ClinVar aggregate classification (germline): Likely benign. Review status: criteria provided, single submitter (1 of 4 stars). 2 submissions from 2 submitters: Likely benign (1). 1 of the submissions does not count toward it. Last evaluated 2020-12-17.

Conditions:
DIABLO-related disorder. Also called: DIABLO-related condition.

Submissions (2):

Labcorp Genetics (formerly Invitae), Labcorp
Classification: Likely benign. Last evaluated: 2020-12-17. Review status: criteria provided, single submitter. Criteria: Invitae Variant Classification Sherloc (09022015). Collection method: clinical testing. Allele origin: germline.

PreventionGenetics, part of Exact Sciences
Classification: Likely benign for DIABLO-related condition. Last evaluated: 2023-10-24. Review status: no assertion criteria provided. Collection method: clinical testing. Allele origin: germline. Not counted in ClinVar's aggregate classification.
Comment: This variant is classified as likely benign based on ACMG/AMP sequence variant interpretation guidelines (Richards et al. 2015 PMID: 25741868, with internal and published modifications).